The following is an entry in ClinVar:

NM_018670.4(MESP1):c.158dup (p.Ser54fs)

Genes: MESP1 (mesoderm posterior bHLH transcription factor 1; minus strand), LOC130057889 (ATAC-STARR-seq lymphoblastoid silent region 6804; plus strand). Cytogenetic location: 15q26.1.
Variant type: Duplication.
Coding change: c.158dup on transcript NM_018670.4 (MANE Select); coding-DNA position 158, one base duplicated (C; older notation c.158dupC).
Protein change: p.Ser54fs; shifts the reading frame from serine 54.
Molecular consequence: frameshift variant.
Genome position (GRCh38, 1-based): chr15:89,751,074, G duplicated on the plus strand (C on the coding strand, the reverse complement: MESP1 is on the minus strand). VCF-style (leftmost placement, unchanged base first): chr15-89751073-C-CG. GRCh37 (hg19) VCF-style: chr15-90294304-C-CG.
Other names: c.158dupC (NM_018670.3); short protein forms S54fs.
Identifiers: ClinVar variation 1206409 (VCV001206409.4), dbSNP rs759335947, ClinGen allele CA7730294.
Genomic context (GRCh38, chr15:89,751,073, plus strand): 5'-GCCGCGCCTACCTACGGAGGGGGCGCGGGGGTCCCGGAGGGTGCCTGGCCGCGCGGGGCT[C>CG]GCCACGGGGCTGTCGGCTGGGGTGCTGCCCCATGAGTCTGGGGACGAGACGAGGGAGCGG-3'

ClinVar aggregate classification (germline): Benign/Likely benign. Review status: no assertion criteria provided (0 of 4 stars). 3 submissions from 3 submitters: Benign (1); Likely benign (2). Last evaluated 2019-08-19.

Conditions:
MESP1-related disorder. Also called: MESP1-related condition.

Allele frequency attached by ClinVar (database versions not stated): gnomAD exomes 0.02905 and 0.24807; 1000 Genomes Project 30x 0.25172; gnomAD 0.26355 and 0.26682.

Submissions (3):

PreventionGenetics, part of Exact Sciences
Classification: Benign for MESP1-related condition. Last evaluated: 2019-08-19. Review status: no assertion criteria provided. Collection method: clinical testing. Allele origin: germline.
Comment: This variant is classified as benign based on ACMG/AMP sequence variant interpretation guidelines (Richards et al. 2015 PMID: 25741868, with internal and published modifications).

Clinical Genetics DNA and cytogenetics Diagnostics Lab, Erasmus MC, Erasmus Medical Center
Classification: Likely benign. Review status: no assertion criteria provided. Collection method: clinical testing. Allele origin: germline. Affected: yes. Study: VKGL Data-share Consensus.

Laboratory of Diagnostic Genome Analysis, Leiden University Medical Center (LUMC)
Classification: Likely benign. Review status: no assertion criteria provided. Collection method: clinical testing. Allele origin: germline. Affected: yes. Study: VKGL Data-share Consensus.